The following is an entry in ClinVar:

ClinVar aggregate classification (germline): Conflicting classifications of pathogenicity. Review status: criteria provided, conflicting classifications (1 of 4 stars). 4 submissions from 3 submitters: Uncertain significance (1); Benign (1); Likely benign (1). 1 of the submissions does not count toward it. Last evaluated 2017-06-29.

Conditions:
Sacral defect with anterior meningocele. Identifiers: MedGen C1838568, OMIM 600145.
Neural tube defect (NTD). Also called: Neural tube defects. Identifiers: Orphanet 3388, Orphanet 823, MedGen C0027794, MONDO:0018075, HP:0045005.
VANGL1-related disorder. Also called: VANGL1-related condition.

Allele frequency attached by ClinVar (database versions not stated): 1000 Genomes Project 0.00060; ESP Exome Variant Server 0.00062; ExAC 0.00072; gnomAD 0.00082 and 0.00083; gnomAD exomes 0.00089 and 0.00133; 1000 Genomes Project 30x 0.00094; TOPMed 0.00114.

Submissions (4):

Center for Pediatric Genomic Medicine, Children's Mercy Hospital and Clinics
Classification: Likely benign. Last evaluated: 2017-06-29. Review status: criteria provided, single submitter. Criteria: ACMG Guidelines, 2015. Collection method: clinical testing. Allele origin: germline.

Illumina Laboratory Services, Illumina
Classification: Benign for Sacral defect with anterior meningocele. Last evaluated: 2017-04-27. Review status: criteria provided, single submitter. Criteria: ICSL Variant Classification Criteria 13 December 2019. Collection method: clinical testing. Allele origin: germline.
Comment: This variant was observed as part of a predisposition screen in an ostensibly healthy population. A literature search was performed for the gene, cDNA change, and amino acid change (where applicable). No publications were found based on this search. Allele frequency data from public databases was too high to be consistent with this variant causing disease. Therefore, this variant is classified as benign.

Illumina Laboratory Services, Illumina
Classification: Uncertain significance for Neural tube defects, susceptibility to. Last evaluated: 2017-04-27. Review status: criteria provided, single submitter. Criteria: ICSL Variant Classification Criteria 13 December 2019. Collection method: clinical testing. Allele origin: germline.
Comment: This variant was observed as part of a predisposition screen in an ostensibly healthy population. A literature search was performed for the gene, cDNA change, and amino acid change (where applicable). Publications were found based on this search. However, the evidence from the literature, in combination with allele frequency data from public databases where available, was not sufficient to rule this variant in or out of causing disease. Therefore, this variant is classified as a variant of unknown significance.

PreventionGenetics, part of Exact Sciences
Classification: Likely benign for VANGL1-related condition. Last evaluated: 2021-05-03. Review status: no assertion criteria provided. Collection method: clinical testing. Allele origin: germline. Not counted in ClinVar's aggregate classification.
Comment: This variant is classified as likely benign based on ACMG/AMP sequence variant interpretation guidelines (Richards et al. 2015 PMID: 25741868, with internal and published modifications).

Literature cited by the submitters: PubMed 19319979 (cited by Illumina Laboratory Services, Illumina).

NM_138959.3(VANGL1):c.274A>G (p.Ile92Val)

Gene: VANGL1 (VANGL planar cell polarity protein 1; plus strand). Cytogenetic location: 1p13.1.
Variant type: single nucleotide variant.
Coding change: c.274A>G on transcript NM_138959.3 (MANE Select); coding-DNA position 274, A replaced by G.
Protein change: p.Ile92Val; replaces isoleucine 92 with valine.
Molecular consequence: missense variant.
Genome position (GRCh38, 1-based): chr1:115,663,730, A>G. VCF-style: chr1-115663730-A-G. GRCh37 (hg19) VCF-style: chr1-116206351-A-G.
Other names: c.268A>G, p.Ile90Val (NM_001172411.2); c.274A>G, p.Ile92Val (NM_001172412.2); short protein forms I92V, I90V.
Identifiers: ClinVar variation 445589 (VCV000445589.8), dbSNP rs143196463, ClinGen allele CA1023207.